The following is an entry in ClinVar:

ClinVar aggregate classification (germline): Benign/Likely benign. Review status: criteria provided, multiple submitters, no conflicts (2 of 4 stars). 2 submissions from 2 submitters: Benign (1); Likely benign (1). Last evaluated 2025-09-03.

Conditions:
Familial cancer of breast. Also called: hereditary breast carcinoma; Hereditary breast cancer; BREAST CANCER, FAMILIAL. Identifiers: Orphanet 227535, MedGen C0346153, MONDO:0016419, OMIM 114480. Disease mechanism: loss of function.

Submissions (2):

Labcorp Genetics (formerly Invitae), Labcorp
Classification: Likely benign for Familial cancer of breast. Last evaluated: 2025-09-03. Review status: criteria provided, single submitter. Criteria: Invitae Variant Classification Sherloc (09022015). Collection method: clinical testing. Allele origin: germline.

Myriad Genetics, Inc.
Classification: Benign for Familial cancer of breast. Last evaluated: 2024-07-18. Review status: criteria provided, single submitter. Criteria: Myriad Autosomal Dominant, Autosomal Recessive and X-Linked Classification Criteria (2023). Collection method: clinical testing. Allele origin: unknown.
Comment: This variant is considered benign. This variant is a silent/synonymous amino acid change and it is not expected to impact splicing.

NM_000465.4(BARD1):c.183G>A (p.Val61=)

Gene: BARD1 (BRCA1 associated RING domain 1; minus strand). Cytogenetic location: 2q35.
Variant type: single nucleotide variant.
Coding change: c.183G>A on transcript NM_000465.4 (MANE Select); coding-DNA position 183, G replaced by A.
Protein change: p.Val61=; no amino-acid change (valine 61 retained).
Molecular consequence: synonymous variant. On other transcripts: non-coding transcript variant (2), intron variant (2).
Genome position (GRCh38, 1-based): chr2:214,797,093, C>T on the plus strand (G>A on the coding strand, the complement: BARD1 is on the minus strand). VCF-style: chr2-214797093-C-T. GRCh37 (hg19) VCF-style: chr2-215661817-C-T.
Other names: c.183G>A, p.Val61= (NM_001282545.2, NM_001282549.2); c.158+12319G>A (NM_001282548.2); c.159-4648G>A (NM_001282543.2).
Identifiers: ClinVar variation 1093100 (VCV001093100.11), dbSNP rs2106145654, ClinGen allele CA431144799.
Genomic context (GRCh38, chr2:214,797,093, plus strand): 5'-CTATATACATCAAACCGTAATTACTTACCTACAGAAGATGTGCTCACATCCTCCTAAACA[C>T]ACAGGCTCTCTCAGAATGTTAGTACTGTTTGAAGAAATTAAAACAATCAAGATTTGAGTC-3'
Protein context (NP_000456.2, residues 51-71): SRCTNILREP[Val61=]CLGGCEHIFC